The following is an entry in ClinVar:

ClinVar aggregate classification (germline): Uncertain significance. Review status: criteria provided, multiple submitters, no conflicts (2 of 4 stars). 2 submissions from 2 submitters: Uncertain significance (2). Last evaluated 2025-09-09.

Conditions:
RYR1-related disorder. Also called: RYR1-related disorders; RYR1-related condition. Identifiers: MedGen CN239331.
Malignant hyperthermia, susceptibility to, 1 (MHS1). Also called: Anesthesia related hyperthermia; Malignant hyperpyrexia; Fulminating hyperpyrexia; Pharmacogenic myopathy; RYR1-Related Malignant Hyperthermia Susceptibility; Malignant hyperthermia suceptibility 1. Identifiers: Orphanet 423, MedGen C2930980, MONDO:0007783, OMIM 145600.

gnomAD v4.1: 4 of 1,614,008 alleles (0.00025%); highest among the groups gnomAD compares: Non-Finnish European, 0.00034%; no homozygotes.

Submissions (2):

Labcorp Genetics (formerly Invitae), Labcorp
Classification: Uncertain significance for RYR1-related disorder. Last evaluated: 2025-09-09. Review status: criteria provided, single submitter. Criteria: Invitae Variant Classification Sherloc (09022015). Collection method: clinical testing. Allele origin: germline.
Comment: This sequence change replaces aspartic acid, which is acidic and polar, with histidine, which is basic and polar, at codon 2769 of the RYR1 protein (p.Asp2769His). This variant is not present in population databases (gnomAD no frequency). This variant has not been reported in the literature in individuals affected with RYR1-related conditions. ClinVar contains an entry for this variant (Variation ID: 2728082). Invitae Evidence Modeling of protein sequence and biophysical properties (such as structural, functional, and spatial information, amino acid conservation, physicochemical variation, residue mobility, and thermodynamic stability) indicates that this missense variant is not expected to disrupt RYR1 protein function with a negative predictive value of 80%. In summary, the available evidence is currently insufficient to determine the role of this variant in disease. Therefore, it has been classified as a Variant of Uncertain Significance.

All of Us Research Program, National Institutes of Health
Classification: Uncertain significance for Malignant hyperthermia, susceptibility to, 1. Last evaluated: 2024-08-06. Review status: criteria provided, single submitter. Criteria: ACMG Guidelines, 2015. Collection method: clinical testing. Allele origin: germline. Inheritance: Autosomal dominant inheritance. Observed: 2 variant alleles, 2 heterozygotes.
Comment: This missense variant replaces aspartic acid with histidine at codon 2769 of the RYR1 protein. Computational prediction is inconclusive regarding the impact of this variant on protein structure and function. To our knowledge, functional studies have not been reported for this variant. This variant has not been reported in individuals affected with RYR1-related disorders in the literature. This variant has not been identified in the general population by the Genome Aggregation Database (gnomAD). The available evidence is insufficient to determine the role of this variant in disease conclusively. Therefore, this variant is classified as a Variant of Uncertain Significance.

This study involves interpretation of variants in research participants for the purpose of population health screening. Participant phenotype was not available at the time of variant classification. Additional details can be found in publication PMID: 35346344, PMCID: PMC8962531

NM_000540.3(RYR1):c.8305G>C (p.Asp2769His)

Gene: RYR1 (ryanodine receptor 1; plus strand). Cytogenetic location: 19q13.2.
Variant type: single nucleotide variant.
Coding change: c.8305G>C on transcript NM_000540.3 (MANE Select); coding-DNA position 8305, G replaced by C.
Protein change: p.Asp2769His; replaces aspartic acid 2769 with histidine.
Molecular consequence: missense variant.
Genome position (GRCh38, 1-based): chr19:38,505,076, G>C. VCF-style: chr19-38505076-G-C. GRCh37 (hg19) VCF-style: chr19-38995716-G-C.
Other names: c.8305G>C, p.Asp2769His (NM_001042723.2); short protein forms D2769H.
Identifiers: ClinVar variation 2728082 (VCV002728082.4), dbSNP rs566495420, ClinGen allele CA405677284.